The following is an entry in ClinVar:

NM_000702.4(ATP1A2):c.692A>G (p.His231Arg)

Genes: ATP1A2 (ATPase Na+/K+ transporting subunit alpha 2; plus strand), LOC126805890 (CDK7 strongly-dependent group 2 enhancer GRCh37_chr1:160093987-160095186; plus strand). Cytogenetic location: 1q23.2.
Variant type: single nucleotide variant.
Coding change: c.692A>G on transcript NM_000702.4 (MANE Select); coding-DNA position 692, A replaced by G.
Protein change: p.His231Arg; replaces histidine 231 with arginine.
Molecular consequence: missense variant.
Genome position (GRCh38, 1-based): chr1:160,125,197, A>G. VCF-style: chr1-160125197-A-G. GRCh37 (hg19) VCF-style: chr1-160094987-A-G.
Other names: short protein forms H231R.
Identifiers: ClinVar variation 5009437 (VCV005009437.1).
Genomic context (GRCh38, chr1:160,125,197, plus strand): 5'-TGGATAACTCATCCTTAACAGGAGAGTCGGAGCCCCAGACCCGCTCCCCCGAGTTCACCC[A>G]TGAGAACCCCCTGGAGACCCGCAATATCTGTTTCTTCTCCACCAACTGTGTTGAAGGTGA-3'
Protein context (NP_000693.1, residues 221-241): EPQTRSPEFT[His231Arg]ENPLETRNIC

ClinVar aggregate classification (germline): Uncertain significance (1 of 4 stars; one submission).

Submission:

GeneDx
Classification: Uncertain significance. Last evaluated: 2026-03-19. Review status: criteria provided, single submitter. Criteria: GeneDx Variant Classification Process June 2021. Collection method: clinical testing. Allele origin: germline.
Comment: Not observed at significant frequency in large population cohorts (gnomAD); In silico analysis supports that this missense variant has a deleterious effect on protein structure/function; Has not been previously published as pathogenic or benign to our knowledge